The following is an entry in ClinVar:

ClinVar aggregate classification (germline): Uncertain significance (1 of 4 stars; one submission).

Submission:

Ambry Genetics
Classification: Uncertain significance. Last evaluated: 2024-04-28. Review status: criteria provided, single submitter. Criteria: Ambry Variant Classification Scheme 2023. Collection method: clinical testing. Allele origin: germline.
Comment: The p.E1079D variant (also known as c.3237G>C), located in coding exon 20 of the MYOM1 gene, results from a G to C substitution at nucleotide position 3237. The glutamic acid at codon 1079 is replaced by aspartic acid, an amino acid with highly similar properties. This amino acid position is conserved. In addition, the in silico prediction for this alteration is inconclusive. Based on the available evidence, the clinical significance of this variant remains unclear.

NM_003803.4(MYOM1):c.3237G>C (p.Glu1079Asp)

Gene: MYOM1 (myomesin 1; minus strand). Cytogenetic location: 18p11.31.
Variant type: single nucleotide variant.
Coding change: c.3237G>C on transcript NM_003803.4 (MANE Select); coding-DNA position 3237, G replaced by C.
Protein change: p.Glu1079Asp; replaces glutamic acid 1079 with aspartic acid.
Molecular consequence: missense variant.
Genome position (GRCh38, 1-based): chr18:3,116,397, C>G on the plus strand (G>C on the coding strand, the complement: MYOM1 is on the minus strand). VCF-style: chr18-3116397-C-G. GRCh37 (hg19) VCF-style: chr18-3116395-C-G.
Other names: c.2949G>C, p.Glu983Asp (NM_019856.2); short protein forms E1079D, E983D.
Identifiers: ClinVar variation 3298029 (VCV003298029.1).